The following is an entry in ClinVar:

NM_001164508.2(NEB):c.24636G>A (p.Met8212Ile)

Genes: RIF1 (replication timing regulatory factor 1; plus strand), NEB (nebulin; minus strand). Cytogenetic location: 2q23.3.
Variant type: single nucleotide variant.
Coding change: c.24636G>A on transcript NM_001164508.2 (MANE Select); coding-DNA position 24636, G replaced by A.
Protein change: p.Met8212Ile; replaces methionine 8212 with isoleucine.
Molecular consequence: missense variant.
Genome position (GRCh38, 1-based): chr2:151,493,811, C>T on the plus strand (G>A on the coding strand, the complement: NEB is on the minus strand). VCF-style: chr2-151493811-C-T. GRCh37 (hg19) VCF-style: chr2-152350325-C-T.
Other names: c.19068G>A (NM_004543.4); c.24636G>A, p.Met8212Ile (NM_001164507.2); c.24741G>A, p.Met8247Ile (NM_001271208.2); c.19068G>A, p.Met6356Ile (NM_004543.5); short protein forms M6356I, M8247I, M8212I.
Identifiers: ClinVar variation 860207 (VCV000860207.10), dbSNP rs770656983, ClinGen allele CA1905972.

ClinVar aggregate classification (germline): Uncertain significance. Review status: criteria provided, multiple submitters, no conflicts (2 of 4 stars). 3 submissions from 3 submitters: Uncertain significance (2). 1 of the submissions does not count toward it. Last evaluated 2025-04-11.

Conditions:
Inborn genetic diseases. Identifiers: MedGen C0950123, MeSH D030342.
Nemaline myopathy 2 (NEM2). Also called: Nemaline myopathy 2, autosomal recessive. Identifiers: MedGen C1850569, MONDO:0009725, OMIM 256030.

Allele frequency attached by ClinVar (database versions not stated): gnomAD exomes below 0.00001; TOPMed 0.00001; ExAC below 0.00001.
gnomAD v4.1: 4 of 1,587,396 alleles (0.00025%); highest among the groups gnomAD compares: East Asian, 0.0068%; no homozygotes.

Submissions (4):

Ambry Genetics
Classification: Uncertain significance for Inborn genetic diseases. Last evaluated: 2025-04-11. Review status: criteria provided, single submitter. Criteria: Ambry Variant Classification Scheme 2023. Collection method: clinical testing. Allele origin: germline.

Labcorp Genetics (formerly Invitae), Labcorp
Classification: Uncertain significance for Nemaline myopathy 2. Last evaluated: 2021-08-24. Review status: criteria provided, single submitter. Criteria: Invitae Variant Classification Sherloc (09022015). Collection method: clinical testing. Allele origin: germline.
Comment: This sequence change replaces methionine with isoleucine at codon 8247 of the NEB protein (p.Met8247Ile). The methionine residue is weakly conserved and there is a small physicochemical difference between methionine and isoleucine. The frequency data for this variant in the population databases is considered unreliable, as metrics indicate poor data quality at this position in the ExAC database. This variant has not been reported in the literature in individuals affected with NEB-related conditions. Algorithms developed to predict the effect of missense changes on protein structure and function are either unavailable or do not agree on the potential impact of this missense change (SIFT: "Deleterious"; PolyPhen-2: "Not Available"; Align-GVGD: "Class C0"). In summary, the available evidence is currently insufficient to determine the role of this variant in disease. Therefore, it has been classified as a Variant of Uncertain Significance.

Natera, Inc.
Classification: Uncertain significance for Nemaline myopathy type 2. Last evaluated: 2020-03-04. Review status: no assertion criteria provided. Collection method: clinical testing. Allele origin: germline. Not counted in ClinVar's aggregate classification.

Dr. Peter K. Rogan Lab, Western University
No classification provided (evidence only). Condition: Malignant tumor of urinary bladder. Review status: no classification provided. Collection method: in vitro. Allele origin: not applicable. Functional consequence: retained intron. Not counted in ClinVar's aggregate classification.